The following is an entry in ClinVar:

NM_001287.6(CLCN7):c.1806C>T (p.Tyr602=)

Gene: CLCN7 (Cl-/H+ antiporter 7; minus strand). Cytogenetic location: 16p13.3.
Variant type: single nucleotide variant.
Coding change: c.1806C>T on transcript NM_001287.6 (MANE Select); coding-DNA position 1806, C replaced by T.
Protein change: p.Tyr602=; no amino-acid change (tyrosine 602 retained).
Molecular consequence: synonymous variant.
Genome position (GRCh38, 1-based): chr16:1,448,758, G>A on the plus strand (C>T on the coding strand, the complement: CLCN7 is on the minus strand). VCF-style: chr16-1448758-G-A. GRCh37 (hg19) VCF-style: chr16-1498759-G-A.
Other names: c.1734C>T, p.Tyr578= (NM_001114331.3).
Identifiers: ClinVar variation 286844 (VCV000286844.16), dbSNP rs112753643, ClinGen allele CA7810045.

ClinVar aggregate classification (germline): Benign/Likely benign. Review status: criteria provided, multiple submitters, no conflicts (2 of 4 stars). 4 submissions from 4 submitters: Benign (2); Likely benign (1). 1 of the submissions does not count toward it. Last evaluated 2026-01-26.

Conditions:
CLCN7-related disorder. Also called: CLCN7-related condition.

Allele frequency attached by ClinVar (database versions not stated): gnomAD exomes 0.00035; ExAC 0.00037; gnomAD 0.00108 and 0.00115; TOPMed 0.00114; ESP Exome Variant Server 0.00154; 1000 Genomes Project 30x 0.00172; 1000 Genomes Project 0.00180.
gnomAD v4.1: 349 of 1,612,090 alleles (0.022%); highest among the groups gnomAD compares: African/African-American, 0.37%; 1 homozygote.

Submissions (4):

Labcorp Genetics (formerly Invitae), Labcorp
Classification: Benign. Last evaluated: 2026-01-26. Review status: criteria provided, single submitter. Criteria: Invitae Variant Classification Sherloc (09022015). Collection method: clinical testing. Allele origin: germline.

Blueprint Genetics
Classification: Likely benign. Last evaluated: 2024-11-13. Review status: criteria provided, single submitter. Criteria: ACMG Guidelines, 2015. Collection method: clinical testing. Allele origin: germline.

Eurofins Ntd Llc (ga)
Classification: Benign. Last evaluated: 2016-03-28. Review status: criteria provided, single submitter. Criteria: EGL Classification Definitions 2015. Collection method: clinical testing. Allele origin: germline. Observed: 1 variant allele, 1 heterozygote.

PreventionGenetics, part of Exact Sciences
Classification: Likely benign for CLCN7-related condition. Last evaluated: 2024-02-10. Review status: no assertion criteria provided. Collection method: clinical testing. Allele origin: germline. Not counted in ClinVar's aggregate classification.
Comment: This variant is classified as likely benign based on ACMG/AMP sequence variant interpretation guidelines (Richards et al. 2015 PMID: 25741868, with internal and published modifications).